The following is an entry in ClinVar:

ClinVar aggregate classification (germline): Pathogenic (1 of 4 stars; one submission).

Submission:

Labcorp Genetics (formerly Invitae), Labcorp
Classification: Pathogenic. Last evaluated: 2022-11-07. Review status: criteria provided, single submitter. Criteria: Invitae Variant Classification Sherloc (09022015). Collection method: clinical testing. Allele origin: germline.
Comment: For these reasons, this variant has been classified as Pathogenic. This variant has not been reported in the literature in individuals affected with LAMC3-related conditions. This variant is a gross deletion of the genomic region encompassing exon(s) 1-8 of the LAMC3 gene, which includes the initiator codon. This deletion extends beyond the assayed region for this gene and therefore may encompass additional genes. It is expected to result in an absent or disrupted protein product. Loss-of-function variants in LAMC3 are known to be pathogenic (PMID: 21572413, 26802095).

Literature cited by the submitters: PubMed 21572413; PubMed 26802095.

NC_000009.11:g.(?_133884602)_(133921067_?)del

Gene: LAMC3 (laminin subunit gamma 3; plus strand). Cytogenetic location: 9q34.12.
Variant type: Deletion.
Identifiers: ClinVar variation 2425482 (VCV002425482.3).